The following is an entry in ClinVar:

NM_006904.7(PRKDC):c.2417C>T (p.Ser806Leu)

Gene: PRKDC (protein kinase, DNA-activated, catalytic subunit; minus strand). Cytogenetic location: 8q11.21.
Variant type: single nucleotide variant.
Coding change: c.2417C>T on transcript NM_006904.7 (MANE Select); coding-DNA position 2417, C replaced by T.
Protein change: p.Ser806Leu; replaces serine 806 with leucine.
Molecular consequence: missense variant.
Genome position (GRCh38, 1-based): chr8:47,927,196, G>A on the plus strand (C>T on the coding strand, the complement: PRKDC is on the minus strand). VCF-style: chr8-47927196-G-A. GRCh37 (hg19) VCF-style: chr8-48839756-G-A.
Other names: c.2417C>T, p.Ser806Leu (NM_001081640.2); short protein forms S806L.
Identifiers: ClinVar variation 1790954 (VCV001790954.2), dbSNP rs933215278, ClinGen allele CA176163841.

ClinVar aggregate classification (germline): Uncertain significance (1 of 4 stars; one submission).

Submission:

Ambry Genetics
Classification: Uncertain significance. Last evaluated: 2021-10-16. Review status: criteria provided, single submitter. Criteria: Ambry Variant Classification Scheme 2023. Collection method: clinical testing. Allele origin: germline.
Comment: The p.S806L variant (also known as c.2417C>T), located in coding exon 21 of the PRKDC gene, results from a C to T substitution at nucleotide position 2417. The serine at codon 806 is replaced by leucine, an amino acid with dissimilar properties. This amino acid position is conserved. In addition, this alteration is predicted to be tolerated by in silico analysis. Since supporting evidence is limited at this time, the clinical significance of this alteration remains unclear.